The following is an entry in ClinVar:

NM_000557.5(GDF5):c.575T>G (p.Val192Gly)

Gene: GDF5 (growth differentiation factor 5; minus strand). Cytogenetic location: 20q11.22.
Variant type: single nucleotide variant.
Coding change: c.575T>G on transcript NM_000557.5 (MANE Select); coding-DNA position 575, T replaced by G.
Protein change: p.Val192Gly; replaces valine 192 with glycine.
Molecular consequence: missense variant.
Genome position (GRCh38, 1-based): chr20:35,437,354, A>C on the plus strand (T>G on the coding strand, the complement: GDF5 is on the minus strand). VCF-style: chr20-35437354-A-C. GRCh37 (hg19) VCF-style: chr20-34025134-A-C.
Other names: c.575T>G, p.Val192Gly (NM_001319138.2); short protein forms V192G.
Identifiers: ClinVar variation 2006186 (VCV002006186.1), dbSNP rs2515425560, ClinGen allele CA408743156.
Genomic context (GRCh38, chr20:35,437,354, plus strand): 5'-TCACCTTGCCCTTTGTCAATAAAGCTGGTGATGGTGTTGGCCAGGCCAGCCTCCAACTTC[A>C]CGCTGCTGTTGCCTCCCTTTCTGTCAGCATCGGACAGCGTCCTGTACAGCGAGAGCATGT-3'
Protein context (NP_000548.2, residues 182-202): DADRKGGNSS[Val192Gly]KLEAGLANTI

ClinVar aggregate classification (germline): Uncertain significance (1 of 4 stars; one submission).

Submission:

Labcorp Genetics (formerly Invitae), Labcorp
Classification: Uncertain significance. Last evaluated: 2022-07-14. Review status: criteria provided, single submitter. Criteria: Invitae Variant Classification Sherloc (09022015). Collection method: clinical testing. Allele origin: germline.
Comment: This sequence change replaces valine, which is neutral and non-polar, with glycine, which is neutral and non-polar, at codon 192 of the GDF5 protein (p.Val192Gly). This variant is not present in population databases (gnomAD no frequency). This variant has not been reported in the literature in individuals affected with GDF5-related conditions. Algorithms developed to predict the effect of missense changes on protein structure and function are either unavailable or do not agree on the potential impact of this missense change (SIFT: "Deleterious"; PolyPhen-2: "Probably Damaging"; Align-GVGD: "Class C0"). In summary, the available evidence is currently insufficient to determine the role of this variant in disease. Therefore, it has been classified as a Variant of Uncertain Significance.